The following is an entry in ClinVar:

ClinVar aggregate classification (germline): Uncertain significance. Review status: criteria provided, multiple submitters, no conflicts (2 of 4 stars). 2 submissions from 2 submitters: Uncertain significance (2). Last evaluated 2025-08-04.

Conditions:
Inborn genetic diseases. Identifiers: MedGen C0950123, MeSH D030342.

Allele frequency attached by ClinVar (database versions not stated): ExAC 0.00001; gnomAD 0.00001; TOPMed 0.00001.
gnomAD v4.1: 47 of 1,602,348 alleles (0.0029%); highest among the groups gnomAD compares: Non-Finnish European, 0.0034%; no homozygotes.

Submissions (2):

Ambry Genetics
Classification: Uncertain significance for Inborn genetic diseases. Last evaluated: 2025-08-04. Review status: criteria provided, single submitter. Criteria: Ambry Variant Classification Scheme 2023. Collection method: clinical testing. Allele origin: germline.

Labcorp Genetics (formerly Invitae), Labcorp
Classification: Uncertain significance. Last evaluated: 2021-08-31. Review status: criteria provided, single submitter. Criteria: Invitae Variant Classification Sherloc (09022015). Collection method: clinical testing. Allele origin: germline.
Comment: This sequence change replaces arginine with histidine at codon 276 of the TSFM protein (p.Arg276His). The arginine residue is moderately conserved and there is a small physicochemical difference between arginine and histidine. This variant is present in population databases (rs767624430, ExAC 0.002%). This variant has not been reported in the literature in individuals affected with TSFM-related conditions. Algorithms developed to predict the effect of missense changes on protein structure and function output the following: SIFT: "Deleterious"; PolyPhen-2: "Benign"; Align-GVGD: "Class C0". The histidine amino acid residue is found in multiple mammalian species, which suggests that this missense change does not adversely affect protein function. In summary, the available evidence is currently insufficient to determine the role of this variant in disease. Therefore, it has been classified as a Variant of Uncertain Significance.

NM_005726.6(TSFM):c.764G>A (p.Arg255His)

Gene: TSFM (Ts translation elongation factor, mitochondrial; plus strand). Cytogenetic location: 12q14.1.
Variant type: single nucleotide variant.
Coding change: c.764G>A on transcript NM_005726.6 (MANE Select); coding-DNA position 764, G replaced by A.
Protein change: p.Arg255His; replaces arginine 255 with histidine.
Molecular consequence: missense variant. On other transcripts: 3 prime UTR variant (1), intron variant (1).
Genome position (GRCh38, 1-based): chr12:57,796,369, G>A. VCF-style: chr12-57796369-G-A. GRCh37 (hg19) VCF-style: chr12-58190152-G-A.
Other names: c.*172G>A (NM_001172695.2); c.827G>A, p.Arg276His (NM_001172696.2); c.571+3296G>A (NM_001172697.2); c.827G>A (NM_001172696.1); short protein forms R276H, R255H.
Identifiers: ClinVar variation 1525034 (VCV001525034.6), dbSNP rs767624430, ClinGen allele CA6659442.
Genomic context (GRCh38, chr12:57,796,369, plus strand): 5'-GGGCCCTGGTCATCTGTGAGACGTCTGAACAGAAAACAAACCTTGAAGACGTTGGCCGCC[G>A]CCTTGGGCAGCATGTGGTGGGCATGGCCCCCCTCTCTGTTGGCTCCCTGGACGATGAGCC-3'
Protein context (NP_005717.3, residues 245-265): QKTNLEDVGR[Arg255His]LGQHVVGMAP